The following is an entry in ClinVar:

ClinVar aggregate classification (germline): Benign (1 of 4 stars; one submission).

Allele frequency attached by ClinVar (database versions not stated): 1000 Genomes Project 0.31649; 1000 Genomes Project 30x 0.31730; TOPMed 0.39436; gnomAD 0.41233 and 0.41858.
gnomAD v4.1: 62,821 of 152,060 alleles (41%); highest among the groups gnomAD compares: Non-Finnish European, 50%; 13,871 homozygotes.

Submission:

GeneDx
Classification: Benign. Last evaluated: 2018-06-19. Review status: criteria provided, single submitter. Criteria: GeneDx Variant Classification (06012015). Collection method: clinical testing. Allele origin: germline. Affected: yes.
Comment: This variant is considered likely benign or benign based on one or more of the following criteria: it is a conservative change, it occurs at a poorly conserved position in the protein, it is predicted to be benign by multiple in silico algorithms, and/or has population frequency not consistent with disease.

NM_000350.3(ABCA4):c.2744-244G>A

Gene: ABCA4 (ATP binding cassette subfamily A member 4; minus strand). Cytogenetic location: 1p22.1.
Variant type: single nucleotide variant.
Coding change: c.2744-244G>A on transcript NM_000350.3 (MANE Select); 244 bases into the intron before coding-DNA position 2744, G replaced by A.
Molecular consequence: intron variant.
Genome position (GRCh38, 1-based): chr1:94,047,337, C>T on the plus strand (G>A on the coding strand, the complement: ABCA4 is on the minus strand). VCF-style: chr1-94047337-C-T. GRCh37 (hg19) VCF-style: chr1-94512893-C-T.
Identifiers: ClinVar variation 678755 (VCV000678755.1), dbSNP rs544830, ClinGen allele CA10680502.